The following is an entry in ClinVar:

ClinVar aggregate classification (germline): Uncertain significance. Review status: criteria provided, multiple submitters, no conflicts (2 of 4 stars). 2 submissions from 2 submitters: Uncertain significance (2). Last evaluated 2025-08-04.

Conditions:
Malignant hyperthermia, susceptibility to, 5 (MHS5). Also called: CACNA1S-Related Malignant Hyperthermia Susceptibility. Identifiers: Orphanet 423, MedGen C1866077, MONDO:0011163, OMIM 601887.
Hypokalemic periodic paralysis, type 1. Also called: Hypokalemic Periodic Paralysis Type 1 (AD); HypoPP. Identifiers: Orphanet 681, MedGen C3714580, MONDO:0042979, OMIM 170400.
Congenital myopathy 18. Also called: Myopathy, congenital, due to dihydropyridine receptor defect; DIHYDROPYRIDINE RECEPTOR CONGENITAL MYOPATHY; DHPR CONGENITAL MYOPATHY. Identifiers: MedGen C5830283, MONDO:0859514, OMIM 620246.
Thyrotoxic periodic paralysis, susceptibility to, 1 (TTPP1). Identifiers: Orphanet 79102, MedGen C2749982, MONDO:0008570, OMIM 188580.

gnomAD v4.1: 2 of 1,612,538 alleles (0.00012%); highest among the groups gnomAD compares: East Asian, 0.0045%; no homozygotes.

Submissions (2):

Color Diagnostics, LLC DBA Color Health
Classification: Uncertain significance for Malignant hyperthermia, susceptibility to, 5. Last evaluated: 2025-08-04. Review status: criteria provided, single submitter. Criteria: ACMG Guidelines, 2015. Collection method: clinical testing. Allele origin: germline.
Comment: This missense variant replaces alanine with threonine at codon 1171 of the CACNA1S protein. Computational prediction suggests that this variant may have deleterious impact on protein structure and function. To our knowledge, functional studies have not been reported for this variant. This variant has not been reported in individuals affected with CACNA1S-related disorders in the literature. This variant has not been identified in the general population by the Genome Aggregation Database (gnomAD). The available evidence is insufficient to determine the role of this variant in disease conclusively. Therefore, this variant is classified as a Variant of Uncertain Significance.

Fulgent Genetics
Classification: Uncertain significance for Hypokalemic periodic paralysis, type 1; Thyrotoxic periodic paralysis, susceptibility to, 1; Malignant hyperthermia, susceptibility to, 5; Congenital myopathy 18. Last evaluated: 2024-02-28. Review status: criteria provided, single submitter. Criteria: ACMG Guidelines, 2015. Collection method: clinical testing. Allele origin: germline.

NM_000069.3(CACNA1S):c.3511G>A (p.Ala1171Thr)

Gene: CACNA1S (calcium voltage-gated channel subunit alpha1 S; minus strand). Cytogenetic location: 1q32.1.
Variant type: single nucleotide variant.
Coding change: c.3511G>A on transcript NM_000069.3 (MANE Select); coding-DNA position 3511, G replaced by A.
Protein change: p.Ala1171Thr; replaces alanine 1171 with threonine.
Molecular consequence: missense variant.
Genome position (GRCh38, 1-based): chr1:201,059,203, C>T on the plus strand (G>A on the coding strand, the complement: CACNA1S is on the minus strand). VCF-style: chr1-201059203-C-T. GRCh37 (hg19) VCF-style: chr1-201028331-C-T.
Other names: short protein forms A1171T.
Identifiers: ClinVar variation 3577006 (VCV003577006.2).